The following is an entry in ClinVar:

NM_005654.6(NR2F1):c.197C>T (p.Thr66Met)

Genes: NR2F1 (nuclear receptor subfamily 2 group F member 1; plus strand), NR2F1-AS1 (NR2F1 regulatory antisense RNA 1; minus strand). Cytogenetic location: 5q15.
Variant type: single nucleotide variant.
Coding change: c.197C>T on transcript NM_005654.6 (MANE Select); coding-DNA position 197, C replaced by T.
Protein change: p.Thr66Met; replaces threonine 66 with methionine.
Molecular consequence: missense variant.
Genome position (GRCh38, 1-based): chr5:93,585,220, C>T. VCF-style: chr5-93585220-C-T. GRCh37 (hg19) VCF-style: chr5-92920926-C-T.
Other names: short protein forms T66M.
Identifiers: ClinVar variation 1484082 (VCV001484082.9), dbSNP rs2149941519, ClinGen allele CA360525731.

ClinVar aggregate classification (germline): Uncertain significance. Review status: criteria provided, multiple submitters, no conflicts (2 of 4 stars). 2 submissions from 2 submitters: Uncertain significance (2). Last evaluated 2022-11-18.

gnomAD v4.1: 2 of 1,546,382 alleles (0.00013%); highest among the groups gnomAD compares: Middle Eastern, 0.017%; no homozygotes.

Submissions (2):

Blueprint Genetics
Classification: Uncertain significance. Last evaluated: 2022-11-18. Review status: criteria provided, single submitter. Criteria: ACMG Guidelines, 2015. Collection method: clinical testing. Allele origin: germline.

Labcorp Genetics (formerly Invitae), Labcorp
Classification: Uncertain significance. Last evaluated: 2022-06-16. Review status: criteria provided, single submitter. Criteria: Invitae Variant Classification Sherloc (09022015). Collection method: clinical testing. Allele origin: germline.
Comment: In summary, the available evidence is currently insufficient to determine the role of this variant in disease. Therefore, it has been classified as a Variant of Uncertain Significance. Advanced modeling of protein sequence and biophysical properties (such as structural, functional, and spatial information, amino acid conservation, physicochemical variation, residue mobility, and thermodynamic stability) performed at Invitae indicates that this missense variant is not expected to disrupt NR2F1 protein function. This variant has not been reported in the literature in individuals affected with NR2F1-related conditions. This variant is not present in population databases (gnomAD no frequency). This sequence change replaces threonine, which is neutral and polar, with methionine, which is neutral and non-polar, at codon 66 of the NR2F1 protein (p.Thr66Met).